The following is an entry in ClinVar:

ClinVar aggregate classification (germline): Uncertain significance (1 of 4 stars; one submission).

Allele frequency attached by ClinVar (database versions not stated): gnomAD exomes 0.00002; TOPMed 0.00002; gnomAD 0.00003; ExAC 0.00006.
gnomAD v4.1: 19 of 1,614,026 alleles (0.0012%); highest among the groups gnomAD compares: Non-Finnish European, 0.0013%; no homozygotes.

Submission:

GeneDx
Classification: Uncertain significance. Last evaluated: 2022-09-08. Review status: criteria provided, single submitter. Criteria: GeneDx Variant Classification Process June 2021. Collection method: clinical testing. Allele origin: germline. Affected: yes.
Comment: Not observed at significant frequency in large population cohorts (gnomAD); In silico analysis supports that this missense variant does not alter protein structure/function; Has not been previously published as pathogenic or benign to our knowledge

NM_020919.4(ALS2):c.1606G>A (p.Glu536Lys)

Gene: ALS2 (alsin Rho guanine nucleotide exchange factor ALS2; minus strand). Cytogenetic location: 2q33.1.
Variant type: single nucleotide variant.
Coding change: c.1606G>A on transcript NM_020919.4 (MANE Select); coding-DNA position 1606, G replaced by A.
Protein change: p.Glu536Lys; replaces glutamic acid 536 with lysine.
Molecular consequence: missense variant.
Genome position (GRCh38, 1-based): chr2:201,754,537, C>T on the plus strand (G>A on the coding strand, the complement: ALS2 is on the minus strand). VCF-style: chr2-201754537-C-T. GRCh37 (hg19) VCF-style: chr2-202619260-C-T.
Other names: c.1606G>A, p.Glu536Lys (NM_001410975.1); short protein forms E536K.
Identifiers: ClinVar variation 2443467 (VCV002443467.1), dbSNP rs777132438, ClinGen allele CA2058419.